The following is an entry in ClinVar:

NM_000108.5(DLD):c.1471T>C (p.Ser491Pro)

Gene: DLD (dihydrolipoamide dehydrogenase; plus strand). Cytogenetic location: 7q31.1.
Variant type: single nucleotide variant.
Coding change: c.1471T>C on transcript NM_000108.5 (MANE Select); coding-DNA position 1471, T replaced by C.
Protein change: p.Ser491Pro; replaces serine 491 with proline.
Molecular consequence: missense variant.
Genome position (GRCh38, 1-based): chr7:107,919,200, T>C. VCF-style: chr7-107919200-T-C. GRCh37 (hg19) VCF-style: chr7-107559645-T-C.
Other names: c.1174T>C, p.Ser392Pro (NM_001289750.1); c.1402T>C, p.Ser468Pro (NM_001289751.1); c.1327T>C, p.Ser443Pro (NM_001289752.1); short protein forms S392P, S443P, S491P, S468P.
Identifiers: ClinVar variation 1028070 (VCV001028070.1), dbSNP rs2032348536, ClinGen allele CA368859591.

ClinVar aggregate classification (germline): Uncertain significance (1 of 4 stars; one submission).

Conditions:
Pyruvate dehydrogenase E3 deficiency (DLDD). Also called: Dihydrolipoamide Dehydrogenase Deficiency; Dihydrolipoamide Dehydrogenase (E3) Deficiency; Dihydrolipoamide Dehydrogenase E3 Deficiency; MAPLE SYRUP URINE DISEASE, TYPE III; DLD DEFICIENCY; E3 DEFICIENCY. Identifiers: Orphanet 2394, Orphanet 765, MedGen C5574660, MONDO:0009529, OMIM 246900.

Submission:

Baylor Genetics
Classification: Uncertain significance for Pyruvate dehydrogenase E3 deficiency. Last evaluated: 2019-03-07. Review status: criteria provided, single submitter. Criteria: ACMG Guidelines, 2015. Collection method: clinical testing. Allele origin: paternal. Affected: yes.
Comment: This variant was determined to be of uncertain significance according to ACMG Guidelines, 2015 [PMID:25741868].